The following is an entry in ClinVar:

NM_004612.4(TGFBR1):c.703T>G (p.Ser235Ala)

Gene: TGFBR1 (transforming growth factor beta receptor 1; plus strand). Cytogenetic location: 9q22.33.
Variant type: single nucleotide variant.
Coding change: c.703T>G on transcript NM_004612.4 (MANE Select); coding-DNA position 703, T replaced by G.
Protein change: p.Ser235Ala; replaces serine 235 with alanine.
Molecular consequence: missense variant. On other transcripts: non-coding transcript variant (4), intron variant (2).
Genome position (GRCh38, 1-based): chr9:99,137,987, T>G. VCF-style: chr9-99137987-T-G. GRCh37 (hg19) VCF-style: chr9-101900269-T-G.
Other names: c.472T>G, p.Ser158Ala (NM_001130916.3); c.715T>G, p.Ser239Ala (NM_001306210.2, NM_001407416.1); c.703T>G, p.Ser235Ala (NM_001407417.1); c.508T>G, p.Ser170Ala (NM_001407418.1, NM_001407419.1, NM_001407420.1 and 1 more transcripts); c.496T>G, p.Ser166Ala (NM_001407423.1, NM_001407424.1, NM_001407425.1 and 8 more transcripts); c.457T>G, p.Ser153Ala (NM_001407436.1); c.226T>G, p.Ser76Ala (NM_001407438.1); c.575-4549T>G (NM_001407435.1); and 1 more; short protein forms S158A, S170A, S239A, S153A, S166A, S235A, S76A.
Identifiers: ClinVar variation 3712417 (VCV003712417.2).

ClinVar aggregate classification (germline): Uncertain significance (1 of 4 stars; one submission).

Conditions:
Familial thoracic aortic aneurysm and aortic dissection (TAAD). Also called: Thoracic aortic aneurysms and dissections. Identifiers: Orphanet 91387, MedGen C4707243, MONDO:0019625.

Submission:

Labcorp Genetics (formerly Invitae), Labcorp
Classification: Uncertain significance for Familial thoracic aortic aneurysm and aortic dissection. Last evaluated: 2024-09-14. Review status: criteria provided, single submitter. Criteria: Invitae Variant Classification Sherloc (09022015). Collection method: clinical testing. Allele origin: germline.
Comment: This sequence change replaces serine, which is neutral and polar, with alanine, which is neutral and non-polar, at codon 235 of the TGFBR1 protein (p.Ser235Ala). This variant is not present in population databases (gnomAD no frequency). This variant has not been reported in the literature in individuals affected with TGFBR1-related conditions. Invitae Evidence Modeling of protein sequence and biophysical properties (such as structural, functional, and spatial information, amino acid conservation, physicochemical variation, residue mobility, and thermodynamic stability) indicates that this missense variant is not expected to disrupt TGFBR1 protein function with a negative predictive value of 80%. In summary, the available evidence is currently insufficient to determine the role of this variant in disease. Therefore, it has been classified as a Variant of Uncertain Significance.